The following is an entry in ClinVar:

NM_206933.4(USH2A):c.11390-1G>A

Gene: USH2A (usherin; minus strand). Cytogenetic location: 1q41.
Variant type: single nucleotide variant.
Coding change: c.11390-1G>A on transcript NM_206933.4 (MANE Select); the canonical splice acceptor site of the intron before coding-DNA position 11390, G replaced by A.
Molecular consequence: splice acceptor variant.
Genome position (GRCh38, 1-based): chr1:215,743,336, C>T on the plus strand (G>A on the coding strand, the complement: USH2A is on the minus strand). VCF-style: chr1-215743336-C-T. GRCh37 (hg19) VCF-style: chr1-215916678-C-T.
Other names: p.(=).
Identifiers: ClinVar variation 1067000 (VCV001067000.14), dbSNP rs2102727580, ClinGen allele CA344835770.

ClinVar aggregate classification (germline): Pathogenic. Review status: criteria provided, single submitter (1 of 4 stars). 2 submissions from 2 submitters: Pathogenic (1). 1 of the submissions does not count toward it. Last evaluated 2024-04-10.

Conditions:
Usher syndrome. Also called: Usher's syndrome; Usher Syndromes. Identifiers: Orphanet 886, MedGen CN469326, MeSH D052245, MONDO:0019501. Disease mechanism: loss of function.

gnomAD v4.1: 1 of 1,587,634 alleles (0.000063%); highest among the groups gnomAD compares: Middle Eastern, 0.017%; no homozygotes.

Submissions (2):

Labcorp Genetics (formerly Invitae), Labcorp
Classification: Pathogenic. Last evaluated: 2024-04-10. Review status: criteria provided, single submitter. Criteria: Invitae Variant Classification Sherloc (09022015). Collection method: clinical testing. Allele origin: germline.
Comment: This sequence change affects an acceptor splice site in intron 58 of the USH2A gene. It is expected to disrupt RNA splicing. Variants that disrupt the donor or acceptor splice site typically lead to a loss of protein function (PMID: 16199547), and loss-of-function variants in USH2A are known to be pathogenic (PMID: 10729113, 10909849, 20507924, 25649381). This variant is not present in population databases (gnomAD no frequency). Disruption of this splice site has been observed in individuals with Usher syndrome or retinitis pigmentosa (PMID: 22135276, 35651951). ClinVar contains an entry for this variant (Variation ID: 1067000). Algorithms developed to predict the effect of sequence changes on RNA splicing suggest that this variant may disrupt the consensus splice site. For these reasons, this variant has been classified as Pathogenic.

Faculty of Health Sciences, Beirut Arab University
Classification: Pathogenic for USHER Syndrome. Last evaluated: 2022-02-12. Review status: no assertion criteria provided. Collection method: research. Allele origin: germline. Affected: yes. Observed: 2 variant alleles. Not counted in ClinVar's aggregate classification.

Literature cited by the submitters: PubMed 16199547 (cited by Labcorp Genetics (formerly Invitae), Labcorp); PubMed 10729113 (cited by Labcorp Genetics (formerly Invitae), Labcorp); PubMed 10909849 (cited by Labcorp Genetics (formerly Invitae), Labcorp); PubMed 20507924 (cited by Labcorp Genetics (formerly Invitae), Labcorp); PubMed 25649381 (cited by Labcorp Genetics (formerly Invitae), Labcorp); PubMed 22135276 (cited by Labcorp Genetics (formerly Invitae), Labcorp); PubMed 35651951 (cited by Labcorp Genetics (formerly Invitae), Labcorp).